The following is an entry in ClinVar:

ClinVar aggregate classification (germline): Uncertain significance (1 of 4 stars; one submission).

Allele frequency attached by ClinVar (database versions not stated): gnomAD exomes below 0.00001; TOPMed below 0.00001; gnomAD 0.00001.
gnomAD v4.1: 2 of 1,613,824 alleles (0.00012%); highest among the groups gnomAD compares: East Asian, 0.0022%; no homozygotes.

Submission:

Labcorp Genetics (formerly Invitae), Labcorp
Classification: Uncertain significance. Last evaluated: 2021-11-06. Review status: criteria provided, single submitter. Criteria: Invitae Variant Classification Sherloc (09022015). Collection method: clinical testing. Allele origin: germline.
Comment: This sequence change replaces aspartic acid, which is acidic and polar, with valine, which is neutral and non-polar, at codon 579 of the ZCCHC8 protein (p.Asp579Val). This variant is present in population databases (no rsID available, gnomAD 0.006%). This variant has not been reported in the literature in individuals affected with ZCCHC8-related conditions. Algorithms developed to predict the effect of missense changes on protein structure and function output the following: SIFT: "Tolerated"; PolyPhen-2: "Not Available"; Align-GVGD: "Class C0". The valine amino acid residue is found in multiple mammalian species, which suggests that this missense change does not adversely affect protein function. In summary, the available evidence is currently insufficient to determine the role of this variant in disease. Therefore, it has been classified as a Variant of Uncertain Significance.

NM_017612.5(ZCCHC8):c.1736A>T (p.Asp579Val)

Gene: ZCCHC8 (zinc finger CCHC-type containing 8; minus strand). Cytogenetic location: 12q24.31.
Variant type: single nucleotide variant.
Coding change: c.1736A>T on transcript NM_017612.5 (MANE Select); coding-DNA position 1736, A replaced by T.
Protein change: p.Asp579Val; replaces aspartic acid 579 with valine.
Molecular consequence: missense variant.
Genome position (GRCh38, 1-based): chr12:122,473,885, T>A on the plus strand (A>T on the coding strand, the complement: ZCCHC8 is on the minus strand). VCF-style: chr12-122473885-T-A. GRCh37 (hg19) VCF-style: chr12-122958432-T-A.
Other names: c.1505A>T, p.Asp502Val (NM_001350935.2); c.1439A>T, p.Asp480Val (NM_001350936.2); c.1022A>T, p.Asp341Val (NM_001350937.2, NM_001350938.2); short protein forms D480V, D502V, D579V, D341V.
Identifiers: ClinVar variation 1391859 (VCV001391859.6), dbSNP rs1392176392, ClinGen allele CA387047807.